The following is an entry in ClinVar:

GRCh37/hg19 15q11.2-13.3(chr15:23213406-32446830)x1

Genes: APBA2 (amyloid beta precursor protein binding family A member 2; plus strand), ARHGAP11B (Rho GTPase activating protein 11B), ATP10A (ATPase phospholipid transporting 10A (putative); minus strand), CHRFAM7A (CHRNA7 (exons 5-10) and FAM7A (exons A-E) fusion; minus strand), CHRNA7 (cholinergic receptor nicotinic alpha 7 subunit) and 35 more. Cytogenetic location: 15q11.2-13.3.
Variant type: copy number loss.
Change: copy number 1 (one copy instead of two) of chr15:23,213,406-32,446,830 (9.23 Mb, GRCh37 coordinates, 1-based), cytogenetic band 15q11.2-13.3.
Identifiers: ClinVar variation 815688 (VCV000815688.3).

ClinVar aggregate classification (germline): Pathogenic (1 of 4 stars; one submission).

Submission:

Quest Diagnostics Nichols Institute San Juan Capistrano
Classification: Pathogenic. Last evaluated: 2022-09-29. Review status: criteria provided, single submitter. Criteria: ACMG/ClinGen CNV Guidelines, 2019. Collection method: clinical testing. Allele origin: unknown.
Comment: The copy number loss of 15q11.2q13.3 involves numerous protein-coding genes. Haploinsufficiency of UBE3A is associated with autosomal dominant Angelman syndrome (OMIM 105830). Copy number losses within or similar to the current deletion have been observed in numerous patients with a range of phenotypes (Ali 2020, Papuc 2019, Sun 2021, Zech 2021). There are no similar copy number losses of this region in the general populations of the Database of Genomic Variants. Thus, this copy number variant (CNV) is classified as pathogenic. References: Ali et al., Biochem Genet. 2020 Feb;58(1):74-101. PMID: 31273557 Papuc et al., Eur J Hum Genet. 2019 Mar;27(3):408-421. PMID: 30552426 Sun et al., Front Pediatr. 2021 May 13;9:635703. PMID: 34055682 Zech et al., Parkinsonism Relat Disord. 2021 Mar;84:129-134. PMID: 33611074